The following is an entry in ClinVar:

ClinVar aggregate classification (germline): Likely benign (1 of 4 stars; one submission).

gnomAD v4.1: 2 of 1,566,308 alleles (0.00013%); highest among the groups gnomAD compares: Admixed American, 0.004%; no homozygotes.

Submission:

CeGaT Center for Human Genetics Tuebingen
Classification: Likely benign. Last evaluated: 2026-04-01. Review status: criteria provided, single submitter. Criteria: CeGaT Center For Human Genetics Tuebingen Variant Classification Criteria Version 2. Collection method: clinical testing. Allele origin: germline. Affected: yes. Observed: 1 variant allele.
Comment: NBEA: BP4

NM_001385012.1(NBEA):c.2845-5C>G

Gene: NBEA (neurobeachin; plus strand). Cytogenetic location: 13q13.3.
Variant type: single nucleotide variant.
Coding change: c.2845-5C>G on transcript NM_001385012.1 (MANE Select); 5 bases into the intron before coding-DNA position 2845, C replaced by G.
Molecular consequence: intron variant.
Genome position (GRCh38, 1-based): chr13:35,159,011, C>G. VCF-style: chr13-35159011-C-G. GRCh37 (hg19) VCF-style: chr13-35733148-C-G.
Other names: c.2845-5C>G (NM_015678.5, NM_001379245.1).
Identifiers: ClinVar variation 4872971 (VCV004872971.2).